The following is an entry in ClinVar:

NM_000089.4(COL1A2):c.3386G>C (p.Arg1129Thr)

Gene: COL1A2 (collagen type I alpha 2 chain; plus strand). Cytogenetic location: 7q21.3.
Variant type: single nucleotide variant.
Coding change: c.3386G>C on transcript NM_000089.4 (MANE Select); coding-DNA position 3386, G replaced by C.
Protein change: p.Arg1129Thr; replaces arginine 1129 with threonine.
Molecular consequence: missense variant.
Genome position (GRCh38, 1-based): chr7:94,427,745, G>C. VCF-style: chr7-94427745-G-C. GRCh37 (hg19) VCF-style: chr7-94057057-G-C.
Other names: short protein forms R1129T.
Identifiers: ClinVar variation 3369878 (VCV003369878.1).

ClinVar aggregate classification (germline): Uncertain significance (1 of 4 stars; one submission).

Submission:

GeneDx
Classification: Uncertain significance. Last evaluated: 2024-02-26. Review status: criteria provided, single submitter. Criteria: GeneDx Variant Classification Process June 2021. Collection method: clinical testing. Allele origin: germline. Affected: yes.
Comment: Not observed at significant frequency in large population cohorts (gnomAD); In silico analysis supports that this missense variant has a deleterious effect on protein structure/function; Has not been previously published as pathogenic or benign to our knowledge